The following is an entry in ClinVar:

ClinVar aggregate classification (germline): Pathogenic (1 of 4 stars; one submission).

Conditions:
Primary ciliary dyskinesia. Also called: Ciliary dyskinesia. Identifiers: Orphanet 244, MedGen C0008780, MONDO:0016575, HP:0012265.

Submission:

Ambry Genetics
Classification: Pathogenic for Primary ciliary dyskinesia. Last evaluated: 2015-09-06. Review status: criteria provided, single submitter. Criteria: Ambry Variant Classification Scheme 2023. Collection method: clinical testing. Allele origin: germline.
Comment: The c.11860_11870del11 pathogenic mutation, located in coding exon 69 of the DNAH5 gene, results from a deletion of 11 nucleotides between nucleotide positions 11860 and 11870, causing a translational frameshift with a predicted alternate stop codon (p.Q3954Cfs*3). Since frameshifts are typically deleterious in nature, this alteration is interpreted as a disease-causing mutation (ACMG Recommendations for Standards for Interpretation and Reporting of Sequence Variations. Revision 2007. Genet Med. 2008;10:294).

NM_001369.3(DNAH5):c.11860_11870del (p.Gln3954fs)

Gene: DNAH5 (dynein axonemal heavy chain 5; minus strand). Cytogenetic location: 5p15.2.
Variant type: Deletion.
Coding change: c.11860_11870del on transcript NM_001369.3 (MANE Select); coding-DNA positions 11860 to 11870, 11 bases deleted (CAGTTTTCAGA).
Protein change: p.Gln3954fs; shifts the reading frame from glutamine 3954.
Molecular consequence: frameshift variant.
Genome position (GRCh38, 1-based): chr5:13,729,452-13,729,462, TCTGAAAACTG deleted on the plus strand (CAGTTTTCAGA on the coding strand, the reverse complement: DNAH5 is on the minus strand); deleting any 11 consecutive bases within chr5:13,729,452-13,729,467 gives the same sequence; the c. name uses the placement nearest the transcript's 3' end. VCF-style (leftmost placement, unchanged base first): chr5-13729451-ATCTGAAAACTG-A. GRCh37 (hg19) VCF-style: chr5-13729560-ATCTGAAAACTG-A.
Other names: short protein forms Q3954fs.
Identifiers: ClinVar variation 1743381 (VCV001743381.2), dbSNP rs2546546922, ClinGen allele CA2580071980.